The following is an entry in ClinVar:

ClinVar aggregate classification (germline): Benign (1 of 4 stars; one submission).

Conditions:
Telangiectasia, hereditary hemorrhagic, type 2 (HHT2). Also called: ACVRL1-Related Hereditary Hemorrhagic Telangiectasia; Telangiectasia, hereditary hemorrhagic, type II. Identifiers: Orphanet 774, MedGen C1838163, MONDO:0010880, OMIM 600376. Disease mechanism: loss of function.

Allele frequency attached by ClinVar (database versions not stated): gnomAD exomes 0.00097; gnomAD 0.00418 and 0.00446; TOPMed 0.00479; 1000 Genomes Project 30x 0.00656; 1000 Genomes Project 0.00479.
gnomAD v4.1: 682 of 204,312 alleles (0.33%); highest among the groups gnomAD compares: African/African-American, 1.4%; 7 homozygotes.

Submission:

Illumina Laboratory Services, Illumina
Classification: Benign for Telangiectasia, hereditary hemorrhagic, type 2. Last evaluated: 2018-01-13. Review status: criteria provided, single submitter. Criteria: ICSL Variant Classification Criteria 13 December 2019. Collection method: clinical testing. Allele origin: germline.
Comment: This variant was observed in the ICSL laboratory as part of a predisposition screen in an ostensibly healthy population. It had not been previously curated by ICSL or reported in the Human Gene Mutation Database (HGMD: prior to June 1st, 2018), and was therefore a candidate for classification through an automated scoring system. Utilizing variant allele frequency, disease prevalence and penetrance estimates, and inheritance mode, an automated score was calculated to assess if this variant is too frequent to cause the disease. Based on the score and internal cut-off values, a variant classified as benign is not then subjected to further curation. The score for this variant resulted in a classification of benign for this disease.

NM_000020.3(ACVRL1):c.*499T>G

Gene: ACVRL1 (activin A receptor like type 1; plus strand). Cytogenetic location: 12q13.13.
Variant type: single nucleotide variant.
Coding change: c.*499T>G on transcript NM_000020.3 (MANE Select); 499 bases downstream of the stop codon, T replaced by G.
Molecular consequence: 3 prime UTR variant.
Genome position (GRCh38, 1-based): chr12:51,921,392, T>G. VCF-style: chr12-51921392-T-G. GRCh37 (hg19) VCF-style: chr12-52315176-T-G.
Other names: c.*499T>G (NM_001077401.2).
Identifiers: ClinVar variation 309453 (VCV000309453.5), dbSNP rs572632343, ClinGen allele CA10633139.